The following is an entry in ClinVar:

ClinVar aggregate classification (germline): Conflicting classifications of pathogenicity. Review status: criteria provided, conflicting classifications (1 of 4 stars). 3 submissions from 3 submitters: Uncertain significance (2); Benign (1). Last evaluated 2025-04-10.

Conditions:
Hereditary cancer-predisposing syndrome. Also called: Hereditary Cancer Syndrome; Hereditary neoplastic syndrome; Neoplastic Syndromes, Hereditary; Tumor predisposition. Identifiers: Orphanet 140162, MedGen C0027672, MeSH D009386, MONDO:0015356.
Bloom syndrome (BLM). Also called: Bloom-Torre-Machacek syndrome. Identifiers: Orphanet 125, MedGen C0005859, MONDO:0008876, OMIM 210900.

gnomAD v4.1: 1 of 1,614,054 alleles (0.000062%); no homozygotes.

Submissions (3):

Ambry Genetics
Classification: Uncertain significance for Hereditary cancer-predisposing syndrome. Last evaluated: 2025-04-10. Review status: criteria provided, single submitter. Criteria: Ambry Variant Classification Scheme 2023. Collection method: clinical testing. Allele origin: germline.
Comment: The p.M439I variant (also known as c.1317G>T), located in coding exon 6 of the BLM gene, results from a G to T substitution at nucleotide position 1317. The methionine at codon 439 is replaced by isoleucine, an amino acid with highly similar properties. This amino acid position is conserved. In addition, this alteration is predicted to be tolerated by in silico analysis. Since supporting evidence is limited at this time, the clinical significance of this alteration remains unclear.

Labcorp Genetics (formerly Invitae), Labcorp
Classification: Uncertain significance for Bloom syndrome. Last evaluated: 2024-09-22. Review status: criteria provided, single submitter. Criteria: Invitae Variant Classification Sherloc (09022015). Collection method: clinical testing. Allele origin: germline.
Comment: This sequence change replaces methionine, which is neutral and non-polar, with isoleucine, which is neutral and non-polar, at codon 439 of the BLM protein (p.Met439Ile). This variant is not present in population databases (gnomAD no frequency). This variant has not been reported in the literature in individuals affected with BLM-related conditions. ClinVar contains an entry for this variant (Variation ID: 1686586). Invitae Evidence Modeling of protein sequence and biophysical properties (such as structural, functional, and spatial information, amino acid conservation, physicochemical variation, residue mobility, and thermodynamic stability) indicates that this missense variant is not expected to disrupt BLM protein function with a negative predictive value of 80%. In summary, the available evidence is currently insufficient to determine the role of this variant in disease. Therefore, it has been classified as a Variant of Uncertain Significance.

Mendelics
Classification: Benign. Last evaluated: 2022-05-04. Review status: criteria provided, single submitter. Criteria: Mendelics Assertion Criteria 2019. Collection method: clinical testing. Allele origin: germline.

NM_000057.4(BLM):c.1317G>T (p.Met439Ile)

Gene: BLM (BLM RecQ like helicase; plus strand). Cytogenetic location: 15q26.1.
Variant type: single nucleotide variant.
Coding change: c.1317G>T on transcript NM_000057.4 (MANE Select); coding-DNA position 1317, G replaced by T.
Protein change: p.Met439Ile; replaces methionine 439 with isoleucine.
Molecular consequence: missense variant.
Genome position (GRCh38, 1-based): chr15:90,760,690, G>T. VCF-style: chr15-90760690-G-T. GRCh37 (hg19) VCF-style: chr15-91303920-G-T.
Other names: c.1317G>T, p.Met439Ile (NM_001287246.2, NM_001287247.2); c.192G>T, p.Met64Ile (NM_001287248.2); short protein forms M439I, M64I.
Identifiers: ClinVar variation 1686586 (VCV001686586.6), dbSNP rs1450277471, ClinGen allele CA393842799.
Genomic context (GRCh38, chr15:90,760,690, plus strand): 5'-TGATGCCAGTCTTCTTGGCTCATTGTGGAGATACAGGCCTGATTCACTTGATGGCCCTAT[G>T]GAGGGTGATTCCTGCCCTACAGGGAATTCTATGAAGGAGTTAAATTTTTCACACCTTCCC-3'
Protein context (NP_000048.1, residues 429-449): RYRPDSLDGP[Met439Ile]EGDSCPTGNS